The following is an entry in ClinVar:

NM_152594.3(SPRED1):c.92G>C (p.Trp31Ser)

Gene: SPRED1 (sprouty related EVH1 domain containing 1; plus strand). Cytogenetic location: 15q14.
Variant type: single nucleotide variant.
Coding change: c.92G>C on transcript NM_152594.3 (MANE Select); coding-DNA position 92, G replaced by C.
Protein change: p.Trp31Ser; replaces tryptophan 31 with serine.
Molecular consequence: missense variant.
Genome position (GRCh38, 1-based): chr15:38,299,432, G>C. VCF-style: chr15-38299432-G-C. GRCh37 (hg19) VCF-style: chr15-38591633-G-C.
Other names: short protein forms W31S.
Identifiers: ClinVar variation 3800930 (VCV003800930.1).

ClinVar aggregate classification (germline): Uncertain significance (1 of 4 stars; one submission).

Conditions:
Cardiovascular phenotype. Identifiers: MedGen CN230736.

Submission:

Ambry Genetics
Classification: Uncertain significance for Cardiovascular phenotype. Last evaluated: 2025-02-23. Review status: criteria provided, single submitter. Criteria: Ambry Variant Classification Scheme 2023. Collection method: clinical testing. Allele origin: germline.
Comment: The p.W31S variant (also known as c.92G>C), located in coding exon 2 of the SPRED1 gene, results from a G to C substitution at nucleotide position 92. The tryptophan at codon 31 is replaced by serine, an amino acid with highly dissimilar properties. This amino acid position is conserved. In addition, this alteration is predicted to be deleterious by in silico analysis. Based on the available evidence, the clinical significance of this variant remains unclear.